The following is an entry in ClinVar:

NM_025144.4(ALPK1):c.2243T>C (p.Val748Ala)

Gene: ALPK1 (alpha kinase 1; plus strand). Cytogenetic location: 4q25.
Variant type: single nucleotide variant.
Coding change: c.2243T>C on transcript NM_025144.4 (MANE Select); coding-DNA position 2243, T replaced by C.
Protein change: p.Val748Ala; replaces valine 748 with alanine.
Molecular consequence: missense variant.
Genome position (GRCh38, 1-based): chr4:112,431,790, T>C. VCF-style: chr4-112431790-T-C. GRCh37 (hg19) VCF-style: chr4-113352946-T-C.
Other names: c.2243T>C, p.Val748Ala (NM_001102406.2); c.2009T>C, p.Val670Ala (NM_001253884.2); short protein forms V670A, V748A.
Identifiers: ClinVar variation 3344271 (VCV003344271.1).

ClinVar aggregate classification (germline): Uncertain significance (0 of 4 stars; one submission).

Conditions:
ALPK1-related disorder. Also called: ALPK1-related condition.

Submission:

PreventionGenetics, part of Exact Sciences
Classification: Uncertain significance for ALPK1-related condition. Last evaluated: 2024-06-20. Review status: no assertion criteria provided. Collection method: clinical testing. Allele origin: germline.
Comment: The ALPK1 c.2243T>C variant is predicted to result in the amino acid substitution p.Val748Ala. To our knowledge, this variant has not been reported in the literature or in a large population database, indicating this variant is rare. At this time, the clinical significance of this variant is uncertain due to the absence of conclusive functional and genetic evidence.